The following is an entry in ClinVar:

NM_005751.5(AKAP9):c.1252A>G (p.Ile418Val)

Gene: AKAP9 (A-kinase anchoring protein 9; plus strand). Cytogenetic location: 7q21.2.
Variant type: single nucleotide variant.
Coding change: c.1252A>G on transcript NM_005751.5 (MANE Select); coding-DNA position 1252, A replaced by G.
Protein change: p.Ile418Val; replaces isoleucine 418 with valine.
Molecular consequence: missense variant.
Genome position (GRCh38, 1-based): chr7:92,001,169, A>G. VCF-style: chr7-92001169-A-G. GRCh37 (hg19) VCF-style: chr7-91630483-A-G.
Other names: c.1252A>G, p.Ile418Val (NM_147185.3); short protein forms I418V.
Identifiers: ClinVar variation 3225014 (VCV003225014.1), dbSNP rs766537510, ClinGen allele CA4335989.

ClinVar aggregate classification (germline): Uncertain significance (1 of 4 stars; one submission).

Conditions:
Cardiovascular phenotype. Identifiers: MedGen CN230736.

Allele frequency attached by ClinVar (database versions not stated): ExAC 0.00001; gnomAD 0.00001; TOPMed 0.00001; gnomAD exomes 0.00002.
gnomAD v4.1: 32 of 1,613,924 alleles (0.002%); highest among the groups gnomAD compares: Non-Finnish European, 0.0026%; no homozygotes.

Submission:

Ambry Genetics
Classification: Uncertain significance for Cardiovascular phenotype. Last evaluated: 2023-09-15. Review status: criteria provided, single submitter. Criteria: Ambry Variant Classification Scheme 2023. Collection method: clinical testing. Allele origin: germline.
Comment: The p.I418V variant (also known as c.1252A>G), located in coding exon 8 of the AKAP9 gene, results from an A to G substitution at nucleotide position 1252. The isoleucine at codon 418 is replaced by valine, an amino acid with highly similar properties. This amino acid position is conserved. In addition, this alteration is predicted to be tolerated by in silico analysis. Since supporting evidence is limited at this time, the clinical significance of this alteration remains unclear.